The following is an entry in ClinVar:

NM_053025.4(MYLK):c.4743C>T (p.Ile1581=)

Gene: MYLK (myosin light chain kinase; minus strand). Cytogenetic location: 3q21.1.
Variant type: single nucleotide variant.
Coding change: c.4743C>T on transcript NM_053025.4 (MANE Select); coding-DNA position 4743, C replaced by T.
Protein change: p.Ile1581=; no amino-acid change (isoleucine 1581 retained).
Molecular consequence: synonymous variant.
Genome position (GRCh38, 1-based): chr3:123,640,381, G>A on the plus strand (C>T on the coding strand, the complement: MYLK is on the minus strand). VCF-style: chr3-123640381-G-A. GRCh37 (hg19) VCF-style: chr3-123359228-G-A.
Other names: c.4215C>T, p.Ile1405= (NM_001321309.2); c.4536C>T, p.Ile1512= (NM_053026.4, NM_053028.4); c.4743C>T, p.Ile1581= (NM_053027.4).
Identifiers: ClinVar variation 561310 (VCV000561310.26), dbSNP rs371814184, ClinGen allele CA072016.

ClinVar aggregate classification (germline): Conflicting classifications of pathogenicity. Review status: criteria provided, conflicting classifications (1 of 4 stars). 8 submissions from 8 submitters: Uncertain significance (1); Likely benign (6). 1 of the submissions does not count toward it. Last evaluated 2025-12-19.

Conditions:
MYLK-related disorder. Also called: MYLK-related condition.
Aortic aneurysm, familial thoracic 7 (AAT7). Also called: AORTIC DISSECTION, FAMILIAL, WITH OR WITHOUT AORTIC ANEURYSM. Identifiers: MedGen C3151077, MONDO:0013418, OMIM 613780.
Connective tissue disorder. Also called: Connective tissue disease. Identifiers: MedGen C0009782, MONDO:0003900.
Familial thoracic aortic aneurysm and aortic dissection (TAAD). Also called: Thoracic aortic aneurysms and dissections. Identifiers: Orphanet 91387, MedGen C4707243, MONDO:0019625.

Allele frequency attached by ClinVar (database versions not stated): gnomAD 0.00003; TOPMed 0.00005; ExAC 0.00007; gnomAD exomes 0.00007; ESP Exome Variant Server 0.00015.
gnomAD v4.1: 101 of 1,613,798 alleles (0.0063%); highest among the groups gnomAD compares: Middle Eastern, 0.033%; 1 homozygote.

Submissions (8):

Labcorp Genetics (formerly Invitae), Labcorp
Classification: Likely benign for Aortic aneurysm, familial thoracic 7. Last evaluated: 2025-12-19. Review status: criteria provided, single submitter. Criteria: Invitae Variant Classification Sherloc (09022015). Collection method: clinical testing. Allele origin: germline.

CeGaT Center for Human Genetics Tuebingen
Classification: Likely benign. Last evaluated: 2025-10-01. Review status: criteria provided, single submitter. Criteria: CeGaT Center For Human Genetics Tuebingen Variant Classification Criteria Version 2. Collection method: clinical testing. Allele origin: germline. Affected: yes. Observed: 1 variant allele.
Comment: MYLK: BP4, BP7

Blueprint Genetics
Classification: Likely benign. Last evaluated: 2024-10-18. Review status: criteria provided, single submitter. Criteria: ACMG Guidelines, 2015. Collection method: clinical testing. Allele origin: germline.

Ambry Genetics
Classification: Likely benign for Familial thoracic aortic aneurysm and aortic dissection. Last evaluated: 2022-08-16. Review status: criteria provided, single submitter. Criteria: Ambry Variant Classification Scheme 2023. Collection method: clinical testing. Allele origin: germline.

CHEO Genetics Diagnostic Laboratory, Children's Hospital of Eastern Ontario
Classification: Likely benign for Familial thoracic aortic aneurysm and aortic dissection. Last evaluated: 2020-06-12. Review status: criteria provided, single submitter. Criteria: ACMG Guidelines, 2015. Collection method: clinical testing. Allele origin: germline.

Center for Human Genetics, Inc
Classification: Likely benign for Connective tissue disorder. Last evaluated: 2018-06-01. Review status: criteria provided, single submitter. Criteria: ACMG Guidelines, 2015. Collection method: clinical testing. Allele origin: germline. Affected: yes.

Illumina Laboratory Services, Illumina
Classification: Uncertain significance for Aortic aneurysm, familial thoracic 7. Last evaluated: 2018-01-12. Review status: criteria provided, single submitter. Criteria: ICSL Variant Classification Criteria 13 December 2019. Collection method: clinical testing. Allele origin: germline.

PreventionGenetics, part of Exact Sciences
Classification: Likely benign for MYLK-related condition. Last evaluated: 2023-08-08. Review status: no assertion criteria provided. Collection method: clinical testing. Allele origin: germline. Not counted in ClinVar's aggregate classification.
Comment: This variant is classified as likely benign based on ACMG/AMP sequence variant interpretation guidelines (Richards et al. 2015 PMID: 25741868, with internal and published modifications).